The following is an entry in ClinVar:

NM_020821.3(VPS13C):c.10780C>T (p.Leu3594Phe)

Gene: VPS13C (vacuolar protein sorting 13 homolog C; minus strand). Cytogenetic location: 15q22.2.
Variant type: single nucleotide variant.
Coding change: c.10780C>T on transcript NM_020821.3 (MANE Select); coding-DNA position 10780, C replaced by T.
Protein change: p.Leu3594Phe; replaces leucine 3594 with phenylalanine.
Molecular consequence: missense variant.
Genome position (GRCh38, 1-based): chr15:61,868,742, G>A on the plus strand (C>T on the coding strand, the complement: VPS13C is on the minus strand). VCF-style: chr15-61868742-G-A. GRCh37 (hg19) VCF-style: chr15-62160941-G-A.
Other names: c.10780C>T, p.Leu3594Phe (NM_001018088.3); c.10651C>T, p.Leu3551Phe (NM_017684.5, NM_018080.4); short protein forms L3551F, L3594F.
Identifiers: ClinVar variation 2038826 (VCV002038826.2), dbSNP rs752646725, ClinGen allele CA7594229.
Genomic context (GRCh38, chr15:61,868,742, plus strand): 5'-ATTCCTGTCTGTCATAAGGACGAATGATGCCATCTTCATGGATCAGGCGAGGGGGACGGA[G>A]GCTAGATACTTCCTCAGTTGATTCTGCTGCCCTGAATAAGGCATCAGAGTAAGTGTAAGA-3'
Protein context (NP_065872.1, residues 3584-3604): AAESTEEVSS[Leu3594Phe]RPPRLIHEDG

ClinVar aggregate classification (germline): Uncertain significance (1 of 4 stars; one submission).

Allele frequency attached by ClinVar (database versions not stated): gnomAD 0.00001.
gnomAD v4.1: 44 of 1,613,962 alleles (0.0027%); highest among the groups gnomAD compares: South Asian, 0.046%; no homozygotes.

Submission:

Labcorp Genetics (formerly Invitae), Labcorp
Classification: Uncertain significance. Last evaluated: 2022-04-12. Review status: criteria provided, single submitter. Criteria: Invitae Variant Classification Sherloc (09022015). Collection method: clinical testing. Allele origin: germline.
Comment: This sequence change replaces leucine, which is neutral and non-polar, with phenylalanine, which is neutral and non-polar, at codon 3594 of the VPS13C protein (p.Leu3594Phe). This variant is present in population databases (rs752646725, gnomAD 0.04%). This variant has not been reported in the literature in individuals affected with VPS13C-related conditions. Algorithms developed to predict the effect of missense changes on protein structure and function are either unavailable or do not agree on the potential impact of this missense change (SIFT: "Deleterious"; PolyPhen-2: "Probably Damaging"; Align-GVGD: "Class C0"). In summary, the available evidence is currently insufficient to determine the role of this variant in disease. Therefore, it has been classified as a Variant of Uncertain Significance.